The following is an entry in ClinVar:

NM_015450.3(POT1):c.1274C>T (p.Thr425Ile)

Gene: POT1 (protection of telomeres 1; minus strand). Cytogenetic location: 7q31.33.
Variant type: single nucleotide variant.
Coding change: c.1274C>T on transcript NM_015450.3 (MANE Select); coding-DNA position 1274, C replaced by T.
Protein change: p.Thr425Ile; replaces threonine 425 with isoleucine.
Molecular consequence: missense variant. On other transcripts: non-coding transcript variant (3).
Genome position (GRCh38, 1-based): chr7:124,841,068, G>A on the plus strand (C>T on the coding strand, the complement: POT1 is on the minus strand). VCF-style: chr7-124841068-G-A. GRCh37 (hg19) VCF-style: chr7-124481122-G-A.
Other names: c.881C>T, p.Thr294Ile (NM_001042594.2); short protein forms T425I, T294I.
Identifiers: ClinVar variation 2450556 (VCV002450556.2), dbSNP rs2485394756, ClinGen allele CA369067184.

ClinVar aggregate classification (germline): Uncertain significance (1 of 4 stars; one submission).

Conditions:
Hereditary cancer-predisposing syndrome. Also called: Neoplastic Syndromes, Hereditary; Tumor predisposition; Hereditary neoplastic syndrome; Hereditary Cancer Syndrome. Identifiers: Orphanet 140162, MedGen C0027672, MeSH D009386, MONDO:0015356.

Submission:

Ambry Genetics
Classification: Uncertain significance for Hereditary cancer-predisposing syndrome. Last evaluated: 2023-02-09. Review status: criteria provided, single submitter. Criteria: Ambry Variant Classification Scheme 2023. Collection method: clinical testing. Allele origin: germline.
Comment: The p.T425I variant (also known as c.1274C>T), located in coding exon 10 of the POT1 gene, results from a C to T substitution at nucleotide position 1274. The threonine at codon 425 is replaced by isoleucine, an amino acid with similar properties. This amino acid position is conserved. In addition, this alteration is predicted to be tolerated by in silico analysis. Since supporting evidence is limited at this time, the clinical significance of this alteration remains unclear.